The following is an entry in ClinVar:

ClinVar aggregate classification (germline): Conflicting classifications of pathogenicity. Review status: criteria provided, conflicting classifications (1 of 4 stars). 2 submissions from 2 submitters: Uncertain significance (1); Likely benign (1). Last evaluated 2023-11-07.

Allele frequency attached by ClinVar (database versions not stated): TOPMed 0.00009; gnomAD 0.00011; ExAC 0.00013; 1000 Genomes Project 30x 0.00109; 1000 Genomes Project 0.00120.
gnomAD v4.1: 96 of 1,614,046 alleles (0.0059%); highest among the groups gnomAD compares: South Asian, 0.071%; no homozygotes.

Submissions (2):

Mayo Clinic Laboratories, Mayo Clinic
Classification: Uncertain significance. Last evaluated: 2023-11-07. Review status: criteria provided, single submitter. Criteria: ACMG Guidelines, 2015. Collection method: clinical testing. Allele origin: germline. Observed: 1 variant allele.
Comment: PM1

Labcorp Genetics (formerly Invitae), Labcorp
Classification: Likely benign. Last evaluated: 2023-03-01. Review status: criteria provided, single submitter. Criteria: Invitae Variant Classification Sherloc (09022015). Collection method: clinical testing. Allele origin: germline.

NM_001025356.3(ANO6):c.2293G>A (p.Gly765Arg)

Gene: ANO6 (anoctamin 6; plus strand). Cytogenetic location: 12q12.
Variant type: single nucleotide variant.
Coding change: c.2293G>A on transcript NM_001025356.3 (MANE Select); coding-DNA position 2293, G replaced by A.
Protein change: p.Gly765Arg; replaces glycine 765 with arginine.
Molecular consequence: missense variant.
Genome position (GRCh38, 1-based): chr12:45,421,146, G>A. VCF-style: chr12-45421146-G-A. GRCh37 (hg19) VCF-style: chr12-45814929-G-A.
Other names: p.Gly765Arg; c.2239G>A, p.Gly747Arg (NM_001142678.2); c.2293G>A, p.Gly765Arg (NM_001142679.2); c.2356G>A, p.Gly786Arg (NM_001204803.2); c.2260G>A, p.Gly754Arg (NM_001410973.1); short protein forms G754R, G765R, G786R, G747R.
Identifiers: ClinVar variation 2889303 (VCV002889303.4), dbSNP rs569876357, ClinGen allele CA6525579.
Genomic context (GRCh38, chr12:45,421,146, plus strand): 5'-TTCACGTCGGACATGATCCCCCGCCTAGTGTACTACTGGTCCTTCTCCGTCCCTCCCTAC[G>A]GGGACCACACTTCCTACACCATGGAAGGGTACATCAACAACACTCTCTCCATCTTCAAAG-3'
Protein context (NP_001020527.2, residues 755-775): YYWSFSVPPY[Gly765Arg]DHTSYTMEGY